The following is an entry in ClinVar:

ClinVar aggregate classification (germline): Uncertain significance (1 of 4 stars; one submission).

Conditions:
Inborn genetic diseases. Identifiers: MedGen C0950123, MeSH D030342.

gnomAD v4.1: 7 of 1,597,404 alleles (0.00044%); highest among the groups gnomAD compares: Non-Finnish European, 0.0006%; no homozygotes.

Submission:

Ambry Genetics
Classification: Uncertain significance for Inborn genetic diseases. Last evaluated: 2026-04-28. Review status: criteria provided, single submitter. Criteria: Ambry Variant Classification Scheme 2023. Collection method: clinical testing. Allele origin: germline.
Comment: The c.236T>A (p.M79K) alteration is located in exon 1 (coding exon 1) of the FBXO28 gene. This alteration results from a T to A substitution at nucleotide position 236, causing the methionine (M) at amino acid position 79 to be replaced by a lysine (K). Based on data from gnomAD, the A allele has an overall frequency of <0.001% (1/225338) total alleles studied. The highest observed frequency was 0.001% (1/99974) of European (non-Finnish) alleles. Based on insufficient or conflicting evidence, the clinical significance of this alteration remains unclear.

NM_015176.4(FBXO28):c.236T>A (p.Met79Lys)

Gene: FBXO28 (F-box protein 28; plus strand). Cytogenetic location: 1q42.11.
Variant type: single nucleotide variant.
Coding change: c.236T>A on transcript NM_015176.4 (MANE Select); coding-DNA position 236, T replaced by A.
Protein change: p.Met79Lys; replaces methionine 79 with lysine.
Molecular consequence: missense variant. On other transcripts: non-coding transcript variant (1).
Genome position (GRCh38, 1-based): chr1:224,114,365, T>A. VCF-style: chr1-224114365-T-A. GRCh37 (hg19) VCF-style: chr1-224302067-T-A.
Other names: c.236T>A, p.Met79Lys (NM_001136115.3); short protein forms M79K.
Identifiers: ClinVar variation 4871292 (VCV004871292.1).